The following is an entry in ClinVar:

ClinVar aggregate classification (germline): Uncertain significance. Review status: criteria provided, multiple submitters, no conflicts (2 of 4 stars). 2 submissions from 2 submitters: Uncertain significance (2). Last evaluated 2021-08-31.

Conditions:
Pontocerebellar hypoplasia type 6 (PCH6). Identifiers: Orphanet 166073, MedGen C1969084, MONDO:0012683, OMIM 611523.

Allele frequency attached by ClinVar (database versions not stated): gnomAD exomes below 0.00001; TOPMed below 0.00001.

Submissions (2):

Women's Health and Genetics/Laboratory Corporation of America, LabCorp
Classification: Uncertain significance. Last evaluated: 2021-08-31. Review status: criteria provided, single submitter. Criteria: LabCorp Variant Classification Summary - May 2015. Collection method: clinical testing. Allele origin: germline.
Comment: Variant summary: RARS2 c.488A>G (p.His163Arg) results in a non-conservative amino acid change located in the Arginyl-tRNA synthetase, catalytic core domain (IPR035684) of the encoded protein sequence. Three of five in-silico tools predict a damaging effect of the variant on protein function. The variant allele was found at a frequency of 4e-06 in 251268 control chromosomes (gnomAD). The available data on variant occurrences in the general population are insufficient to allow any conclusion about variant significance. To our knowledge, no occurrence of c.488A>G in individuals affected with Pontocerebellar Hypoplasia, Type 6 and no experimental evidence demonstrating its impact on protein function have been reported. A ClinVar submitter (evaluation after 2014) cites the variant as uncertain significance. Based on the evidence outlined above, the variant was classified as uncertain significance.

Baylor Genetics
Classification: Uncertain significance for Pontocerebellar hypoplasia type 6. Last evaluated: 2020-07-09. Review status: criteria provided, single submitter. Criteria: ACMG Guidelines, 2015. Collection method: clinical testing. Allele origin: unknown. Affected: yes.
Comment: This variant was determined to be of uncertain significance according to ACMG Guidelines, 2015 [PMID:25741868].

NM_020320.5(RARS2):c.488A>G (p.His163Arg)

Gene: RARS2 (arginyl-tRNA synthetase 2, mitochondrial; minus strand). Cytogenetic location: 6q15.
Variant type: single nucleotide variant.
Coding change: c.488A>G on transcript NM_020320.5 (MANE Select); coding-DNA position 488, A replaced by G.
Protein change: p.His163Arg; replaces histidine 163 with arginine.
Molecular consequence: missense variant. On other transcripts: 5 prime UTR variant (7), non-coding transcript variant (15).
Genome position (GRCh38, 1-based): chr6:87,545,663, T>C on the plus strand (A>G on the coding strand, the complement: RARS2 is on the minus strand). VCF-style: chr6-87545663-T-C. GRCh37 (hg19) VCF-style: chr6-88255381-T-C.
Other names: c.-38A>G (NM_001318785.2, NM_001350506.2, NM_001350507.2 and 4 more transcripts); c.488A>G, p.His163Arg (NM_001350505.2); short protein forms H163R.
Identifiers: ClinVar variation 1030700 (VCV001030700.2), dbSNP rs1260340118, ClinGen allele CA364933069.